The following is an entry in ClinVar:

ClinVar aggregate classification (germline): Uncertain significance. Review status: criteria provided, multiple submitters, no conflicts (2 of 4 stars). 2 submissions from 2 submitters: Uncertain significance (2). Last evaluated 2024-09-11.

Allele frequency attached by ClinVar (database versions not stated): gnomAD exomes below 0.00001.
gnomAD v4.1: 3 of 1,613,742 alleles (0.00019%); highest among the groups gnomAD compares: Non-Finnish European, 0.00017%; no homozygotes.

Submissions (2):

Ambry Genetics
Classification: Uncertain significance. Last evaluated: 2024-09-11. Review status: criteria provided, single submitter. Criteria: Ambry Variant Classification Scheme 2023. Collection method: clinical testing. Allele origin: germline.

Labcorp Genetics (formerly Invitae), Labcorp
Classification: Uncertain significance. Last evaluated: 2023-07-17. Review status: criteria provided, single submitter. Criteria: Invitae Variant Classification Sherloc (09022015). Collection method: clinical testing. Allele origin: germline.
Comment: In summary, the available evidence is currently insufficient to determine the role of this variant in disease. Therefore, it has been classified as a Variant of Uncertain Significance. Advanced modeling of protein sequence and biophysical properties (such as structural, functional, and spatial information, amino acid conservation, physicochemical variation, residue mobility, and thermodynamic stability) performed at Invitae indicates that this missense variant is not expected to disrupt C5 protein function. This sequence change replaces asparagine, which is neutral and polar, with serine, which is neutral and polar, at codon 1032 of the C5 protein (p.Asn1032Ser). This variant is not present in population databases (gnomAD no frequency). This variant has not been reported in the literature in individuals affected with C5-related conditions. ClinVar contains an entry for this variant (Variation ID: 1352836).

NM_001735.3(C5):c.3095A>G (p.Asn1032Ser)

Gene: C5 (complement C5; minus strand). Cytogenetic location: 9q33.2.
Variant type: single nucleotide variant.
Coding change: c.3095A>G on transcript NM_001735.3 (MANE Select); coding-DNA position 3095, A replaced by G.
Protein change: p.Asn1032Ser; replaces asparagine 1032 with serine.
Molecular consequence: missense variant.
Genome position (GRCh38, 1-based): chr9:120,989,627, T>C on the plus strand (A>G on the coding strand, the complement: C5 is on the minus strand). VCF-style: chr9-120989627-T-C. GRCh37 (hg19) VCF-style: chr9-123751905-T-C.
Other names: c.3113A>G, p.Asn1038Ser (NM_001317163.2); c.3095A>G (NM_001735.2); short protein forms N1032S, N1038S.
Identifiers: ClinVar variation 1352836 (VCV001352836.7), dbSNP rs2131710979, ClinGen allele CA374732299.
Genomic context (GRCh38, chr9:120,989,627, plus strand): 5'-CCTTCTTTTAATTTTTTCTTCAGTTTCTGCTTTTCAATTAATGGGTCAGAATGAAAAATG[T>C]TCCAATGATTTCCTGTTTCCAGGTAGTGAAAAACATAGAATACTGGGACAACGCTCATCA-3'
Protein context (NP_001726.2, residues 1022-1042): FHYLETGNHW[Asn1032Ser]IFHSDPLIEK